The following is an entry in ClinVar:

ClinVar aggregate classification (germline): Pathogenic (1 of 4 stars; one submission).

Conditions:
Usher syndrome. Also called: Usher Syndromes; Usher's syndrome. Identifiers: Orphanet 886, MedGen CN469326, MeSH D052245, MONDO:0019501. Disease mechanism: loss of function.

Submission:

Women's Health and Genetics/Laboratory Corporation of America, LabCorp
Classification: Pathogenic for Usher syndrome. Last evaluated: 2026-06-17. Review status: criteria provided, single submitter. Criteria: LabCorp Variant Classification Summary - May 2015. Collection method: clinical testing. Allele origin: germline.
Comment: Variant summary: MYO7A c.1209C>A (p.Tyr403X) results in a premature termination codon, predicted to cause a truncation of the encoded protein or absence of the protein due to nonsense mediated decay, which are commonly known mechanisms for disease. The variant was absent in 230238 control chromosomes. To our knowledge, no occurrence of c.1209C>A in individuals affected with MYO7A-related conditions and no experimental evidence demonstrating its impact on protein function have been reported. No submitters have cited clinical-significance assessments for this variant to ClinVar. Based on the evidence outlined above, the variant was classified as pathogenic.

NM_000260.4(MYO7A):c.1209C>A (p.Tyr403Ter)

Gene: MYO7A (myosin VIIA; plus strand). Cytogenetic location: 11q13.5.
Variant type: single nucleotide variant.
Coding change: c.1209C>A on transcript NM_000260.4 (MANE Select); coding-DNA position 1209, C replaced by A.
Protein change: p.Tyr403Ter; replaces tyrosine 403 with a stop codon.
Molecular consequence: nonsense.
Genome position (GRCh38, 1-based): chr11:77,160,981, C>A. VCF-style: chr11-77160981-C-A. GRCh37 (hg19) VCF-style: chr11-76872027-C-A.
Other names: c.1209C>A, p.Tyr403Ter (NM_001127180.2); c.1176C>A, p.Tyr392Ter (NM_001369365.1); short protein forms Y392*, Y403*.
Identifiers: ClinVar variation 4887184 (VCV004887184.1).